The following is an entry in ClinVar:

NM_001034853.2(RPGR):c.3399del (p.Pro1134fs)

Gene: RPGR (retinitis pigmentosa GTPase regulator; minus strand). Cytogenetic location: Xp11.4.
Variant type: Deletion.
Coding change: c.3399del on transcript NM_001034853.2 (MANE Select); coding-DNA position 3399, one base deleted (G; older notation c.3399delG).
Protein change: p.Pro1134fs; shifts the reading frame from proline 1134.
Molecular consequence: frameshift variant. On other transcripts: intron variant (8).
Genome position (GRCh38, 1-based): chrX:38,285,600, C deleted on the plus strand (G on the coding strand, the reverse complement: RPGR is on the minus strand); the first of 3 consecutive C bases (chrX:38,285,600-38,285,602); deleting any one gives the same sequence. VCF-style (leftmost placement, unchanged base first): chrX-38285599-GC-G. GRCh37 (hg19) VCF-style: chrX-38144852-GC-G.
Other names: NM_001034853.2:c.3399del; c.1569+5359del (NM_001367249.1, NM_001367250.1); c.1902+1494del (NM_001367245.1); c.1386+5359del (NM_001367251.1); c.1719+1494del (NM_001367246.1); c.1572+5359del (NM_001367247.1); c.1905+1494del (NM_000328.3); c.1602+5359del (NM_001367248.1); short protein forms P1134fs.
Identifiers: ClinVar variation 4082176 (VCV004082176.1).
Genomic context (GRCh38, chrX:38,285,599, plus strand): 5'-GTTACTTCAATTCCAAGTAATGTGGTAATACATTATTCCAGAACTTTTTGGAACCTGATG[GC>G]CCGTTTTTTAAAAGTCGTTTTGACTGGACTGGCATTTTGGACCTCTGCTCTTTCCCATTT-3'

ClinVar aggregate classification (germline): Likely pathogenic (3 of 4 stars; one submission).

Conditions:
RPGR-related retinopathy. Also called: RPGR retinopathy. Identifiers: MedGen CN305589, MONDO:0100437.

Submission:

ClinGen X-linked Inherited Retinal Disease Variant Curation Expert Panel, ClinGen
Classification: Likely pathogenic for RPGR-related retinopathy. Last evaluated: 2025-09-05. Review status: reviewed by expert panel. Criteria: ClinGen X LinkedIRD ACMG Specifications RPGR V1.0.0. Collection method: curation. Allele origin: germline. Inheritance: X-linked inheritance.
Comment: NM_001034853.2(RPGR):c.3399del (p.Pro1134HisfsTer18) is a frameshift variant due to a 1-nucleotide deletion introducing a premature stop codon within exon 15 of 15, causing truncation of less than 10% of the RPGR protein within a domain of unknown function (PVS1_Strong). This variant is absent from gnomAD v4.1.0 (PM2_Supporting). This variant has been reported in at least 2 apparently unrelated probands meeting one of the PS4 requirements of a male with some functional vision impairment by age 30 years and/or decreased or absent electroretinogram responses, or a female with functional visual abnormality and documentation of a male relative affected with retinitis pigmentosa (PMID: 31645972, PMID: 35806195, PS4_Supporting). The variant has been reported to segregate with retinal dystrophy through an affected mother and son (PP1; PMID: 31645972). In summary, this variant is classified as likely pathogenic for RPGR-related retinopathy based on the ClinGen X-linked Inherited Retinal Disease Expert Panel Specifications to the ACMG/AMP Variant Interpretation Guidelines for RPGR Version 1.0.0; PVS1_Strong, PM2_Supporting, PP1, and PS4_Supporting.